The following is an entry in ClinVar:

NM_153365.3(TAPT1):c.1522A>G (p.Ile508Val)

Gene: TAPT1 (transmembrane anterior posterior transformation 1; minus strand). Cytogenetic location: 4p15.32.
Variant type: single nucleotide variant.
Coding change: c.1522A>G on transcript NM_153365.3 (MANE Select); coding-DNA position 1522, A replaced by G.
Protein change: p.Ile508Val; replaces isoleucine 508 with valine.
Molecular consequence: missense variant.
Genome position (GRCh38, 1-based): chr4:16,163,490, T>C on the plus strand (A>G on the coding strand, the complement: TAPT1 is on the minus strand). VCF-style: chr4-16163490-T-C. GRCh37 (hg19) VCF-style: chr4-16165113-T-C.
Other names: short protein forms I508V.
Identifiers: ClinVar variation 2004952 (VCV002004952.4), dbSNP rs1747383892, ClinGen allele CA356491458.

ClinVar aggregate classification (germline): Uncertain significance (1 of 4 stars; one submission).

Allele frequency attached by ClinVar (database versions not stated): gnomAD exomes below 0.00001; gnomAD 0.00001.
gnomAD v4.1: 2 of 1,613,894 alleles (0.00012%); highest among the groups gnomAD compares: South Asian, 0.0011%; no homozygotes.

Submission:

Labcorp Genetics (formerly Invitae), Labcorp
Classification: Uncertain significance. Last evaluated: 2022-06-11. Review status: criteria provided, single submitter. Criteria: Invitae Variant Classification Sherloc (09022015). Collection method: clinical testing. Allele origin: germline.
Comment: In summary, the available evidence is currently insufficient to determine the role of this variant in disease. Therefore, it has been classified as a Variant of Uncertain Significance. Algorithms developed to predict the effect of missense changes on protein structure and function output the following: SIFT: "Tolerated"; PolyPhen-2: "Benign"; Align-GVGD: "Class C0". The valine amino acid residue is found in multiple mammalian species, which suggests that this missense change does not adversely affect protein function. This variant has not been reported in the literature in individuals affected with TAPT1-related conditions. This variant is not present in population databases (gnomAD no frequency). This sequence change replaces isoleucine, which is neutral and non-polar, with valine, which is neutral and non-polar, at codon 508 of the TAPT1 protein (p.Ile508Val).